The following is an entry in ClinVar:

ClinVar aggregate classification (germline): Uncertain significance (1 of 4 stars; one submission).

Conditions:
Hereditary cancer-predisposing syndrome. Also called: Neoplastic Syndromes, Hereditary; Tumor predisposition; Hereditary neoplastic syndrome; Hereditary Cancer Syndrome. Identifiers: Orphanet 140162, MedGen C0027672, MeSH D009386, MONDO:0015356.

Submission:

Ambry Genetics
Classification: Uncertain significance for Hereditary cancer-predisposing syndrome. Last evaluated: 2026-07-30. Review status: criteria provided, single submitter. Criteria: Ambry Variant Classification Scheme 2023. Collection method: clinical testing. Allele origin: germline.
Comment: The p.G95S variant (also known as c.283G>A), located in coding exon 4 of the POT1 gene, results from a G to A substitution at nucleotide position 283. The glycine at codon 95 is replaced by serine, an amino acid with similar properties. This amino acid position is well conserved in available vertebrate species. In addition, the in silico prediction for this alteration is inconclusive. Based on the available evidence, the clinical significance of this variant remains unclear.

NM_015450.3(POT1):c.283G>A (p.Gly95Ser)

Gene: POT1 (protection of telomeres 1; minus strand). Cytogenetic location: 7q31.33.
Variant type: single nucleotide variant.
Coding change: c.283G>A on transcript NM_015450.3 (MANE Select); coding-DNA position 283, G replaced by A.
Protein change: p.Gly95Ser; replaces glycine 95 with serine.
Molecular consequence: missense variant. On other transcripts: 5 prime UTR variant (1), non-coding transcript variant (3).
Genome position (GRCh38, 1-based): chr7:124,863,613, C>T on the plus strand (G>A on the coding strand, the complement: POT1 is on the minus strand). VCF-style: chr7-124863613-C-T. GRCh37 (hg19) VCF-style: chr7-124503667-C-T.
Other names: c.-111G>A (NM_001042594.2); short protein forms G95S.
Identifiers: ClinVar variation 5027181 (VCV005027181.1).